The following is an entry in ClinVar:

NM_004614.5(TK2):c.239C>T (p.Thr80Met)

Gene: TK2 (thymidine kinase 2; minus strand). Cytogenetic location: 16q21.
Variant type: single nucleotide variant.
Coding change: c.239C>T on transcript NM_004614.5 (MANE Select); coding-DNA position 239, C replaced by T.
Protein change: p.Thr80Met; replaces threonine 80 with methionine.
Molecular consequence: missense variant. On other transcripts: 5 prime UTR variant (1), non-coding transcript variant (1), intron variant (1).
Genome position (GRCh38, 1-based): chr16:66,537,010, G>A on the plus strand (C>T on the coding strand, the complement: TK2 is on the minus strand). VCF-style: chr16-66537010-G-A. GRCh37 (hg19) VCF-style: chr16-66570913-G-A.
Other names: c.146C>T, p.Thr49Met (NM_001172643.1, NM_001271935.1); c.164C>T, p.Thr55Met (NM_001172644.2); c.92C>T, p.Thr31Met (NM_001271934.2); c.-53C>T (NM_001272050.2); c.231+4869C>T (NM_001172645.2); c.239C>T (NM_004614.4); short protein forms T49M, T80M, T55M, T31M.
Identifiers: ClinVar variation 1380074 (VCV001380074.9), dbSNP rs750719016, ClinGen allele CA8093745.

ClinVar aggregate classification (germline): Uncertain significance. Review status: criteria provided, multiple submitters, no conflicts (2 of 4 stars). 2 submissions from 2 submitters: Uncertain significance (2). Last evaluated 2026-10-01.

Allele frequency attached by ClinVar (database versions not stated): gnomAD 0.00001; gnomAD exomes 0.00001 and 0.00002; ExAC 0.00001; TOPMed 0.00002.
gnomAD v4.1: 25 of 1,613,924 alleles (0.0015%); highest among the groups gnomAD compares: Non-Finnish European, 0.0019%; no homozygotes.

Submissions (2):

GeneDx
Classification: Uncertain significance. Last evaluated: 2026-10-01. Review status: criteria provided, single submitter. Criteria: GeneDx Variant Classification Process June 2021. Collection method: clinical testing. Allele origin: germline.
Comment: Not observed at significant frequency in large population cohorts (gnomAD); In silico analysis supports that this missense variant has a deleterious effect on protein structure/function; Has not been previously published as pathogenic or benign to our knowledge

Labcorp Genetics (formerly Invitae), Labcorp
Classification: Uncertain significance. Last evaluated: 2024-10-16. Review status: criteria provided, single submitter. Criteria: Invitae Variant Classification Sherloc (09022015). Collection method: clinical testing. Allele origin: germline.
Comment: This sequence change replaces threonine, which is neutral and polar, with methionine, which is neutral and non-polar, at codon 80 of the TK2 protein (p.Thr80Met). This variant is present in population databases (rs750719016, gnomAD 0.002%). This variant has not been reported in the literature in individuals affected with TK2-related conditions. ClinVar contains an entry for this variant (Variation ID: 1380074). Invitae Evidence Modeling of protein sequence and biophysical properties (such as structural, functional, and spatial information, amino acid conservation, physicochemical variation, residue mobility, and thermodynamic stability) indicates that this missense variant is not expected to disrupt TK2 protein function with a negative predictive value of 95%. In summary, the available evidence is currently insufficient to determine the role of this variant in disease. Therefore, it has been classified as a Variant of Uncertain Significance.